The following is an entry in ClinVar:

Conditions:
Long QT syndrome 5 (LQT5). Identifiers: Orphanet 101016, Orphanet 768, MedGen C1867904, MONDO:0013372, OMIM 613695.

Submission:

Roden Lab, Vanderbilt University Medical Center
No classification provided (evidence only). Condition: Long QT syndrome 5. Review status: no classification provided. Collection method: in vitro. Allele origin: not applicable. Functional consequence: Effect on ion channel function.
ClinVar note: "not provided" was previously submitted as the classification for the variant. However, the classification appeared to be based only on an observation of functional data so it was converted to no classification on 2025-07-30.

NM_000219.6(KCNE1):c.227A>G (p.Asp76Gly)

Gene: KCNE1 (potassium voltage-gated channel subfamily E regulatory subunit 1; minus strand). Cytogenetic location: 21q22.12.
Variant type: single nucleotide variant.
Coding change: c.227A>G on transcript NM_000219.6 (MANE Select); coding-DNA position 227, A replaced by G.
Protein change: p.Asp76Gly; replaces aspartic acid 76 with glycine.
Molecular consequence: missense variant.
Genome position (GRCh38, 1-based): chr21:34,449,408, T>C on the plus strand (A>G on the coding strand, the complement: KCNE1 is on the minus strand). VCF-style: chr21-34449408-T-C. GRCh37 (hg19) VCF-style: chr21-35821706-T-C.
Other names: c.227A>G, p.Asp76Gly (NM_001127668.4, NM_001127669.4, NM_001127670.4 and 4 more transcripts); short protein forms D76G.
Identifiers: ClinVar variation 3374375 (VCV003374375.2).
Genomic context (GRCh38, chr21:34,449,408, plus strand): 5'-TGGACATAGGCCTTGTCCTTCTCTTGCCAGGCATCGGACTCGATGTAGACGTTGAATGGG[T>C]CGTTCGAGTGCTCCAGCTTCTTGGAGCGGATGTAGCTCAGCATGATGCCCAGGGTGAAGA-3'
Protein context (NP_000210.2, residues 66-86): IRSKKLEHSN[Asp76Gly]PFNVYIESDA